The following is an entry in ClinVar:

NM_001113378.2(FANCI):c.3538-2A>T

Gene: FANCI (FA complementation group I; plus strand). Cytogenetic location: 15q26.1.
Variant type: single nucleotide variant.
Coding change: c.3538-2A>T on transcript NM_001113378.2 (MANE Select); the canonical splice acceptor site of the intron before coding-DNA position 3538, A replaced by T.
Molecular consequence: splice acceptor variant.
Genome position (GRCh38, 1-based): chr15:89,307,474, A>T. VCF-style: chr15-89307474-A-T. GRCh37 (hg19) VCF-style: chr15-89850705-A-T.
Other names: c.3358-2A>T (NM_018193.3); c.3538-2A>T (NM_001376911.1); c.3259-2A>T (NM_001376910.1).
Identifiers: ClinVar variation 849182 (VCV000849182.9), dbSNP rs1407605188, ClinGen allele CA393740742.

ClinVar aggregate classification (germline): Likely pathogenic. Review status: criteria provided, multiple submitters, no conflicts (2 of 4 stars). 2 submissions from 2 submitters: Likely pathogenic (2). Last evaluated 2026-08-06.

Conditions:
Fanconi anemia (FA). Also called: Fanconi's anemia. Identifiers: Orphanet 84, MedGen C0015625, MeSH D005199, MONDO:0019391.

Allele frequency attached by ClinVar (database versions not stated): gnomAD exomes below 0.00001; TOPMed below 0.00001.
gnomAD v4.1: 1 of 1,613,614 alleles (0.000062%); highest among the groups gnomAD compares: Non-Finnish European, 0.000085%; no homozygotes.

Submissions (2):

OLLIN Analises Genomicas, OLLIN
Classification: Likely pathogenic. Last evaluated: 2026-08-06. Review status: criteria provided, single submitter. Criteria: ACMG Guidelines 2015 PMID 25741868. Collection method: clinical testing. Allele origin: germline.
Comment: This variant, located at the canonical splicing site (splice acceptor), has been reported in ClinVar (accession VCV000849182.8) and in gnomAD with an allele frequency of 0.000062%. However, to our knowledge, it has not been reported in the scientific literature. This variant is predicted to disrupt a canonical splice site, potentially leading to exon skipping, mRNA degradation via nonsense-mediated decay (NMD), or production of a truncated protein. According to the currently available evidence, this variant has been classified as likely pathogenic (PVS1, PM2_P).

Labcorp Genetics (formerly Invitae), Labcorp
Classification: Likely pathogenic for Fanconi anemia. Last evaluated: 2022-03-07. Review status: criteria provided, single submitter. Criteria: Invitae Variant Classification Sherloc (09022015). Collection method: clinical testing. Allele origin: germline.
Comment: In summary, the currently available evidence indicates that the variant is pathogenic, but additional data are needed to prove that conclusively. Therefore, this variant has been classified as Likely Pathogenic. Algorithms developed to predict the effect of sequence changes on RNA splicing suggest that this variant may disrupt the consensus splice site. ClinVar contains an entry for this variant (Variation ID: 849182). This variant has not been reported in the literature in individuals affected with FANCI-related conditions. This variant is present in population databases (no rsID available, gnomAD 0.0009%). This sequence change affects an acceptor splice site in intron 32 of the FANCI gene. It is expected to disrupt RNA splicing. Variants that disrupt the donor or acceptor splice site typically lead to a loss of protein function (PMID: 16199547), and loss-of-function variants in FANCI are known to be pathogenic (PMID: 17452773, 17460694).

Literature cited by the submitters: PubMed 16199547 (cited by Labcorp Genetics (formerly Invitae), Labcorp); PubMed 17452773 (cited by Labcorp Genetics (formerly Invitae), Labcorp); PubMed 17460694 (cited by Labcorp Genetics (formerly Invitae), Labcorp).